The following is an entry in ClinVar:

ClinVar aggregate classification (germline): Uncertain significance. Review status: criteria provided, multiple submitters, no conflicts (2 of 4 stars). 2 submissions from 2 submitters: Uncertain significance (2). Last evaluated 2025-03-02.

Conditions:
Hereditary cancer-predisposing syndrome. Also called: Hereditary Cancer Syndrome; Neoplastic Syndromes, Hereditary; Tumor predisposition; Hereditary neoplastic syndrome. Identifiers: Orphanet 140162, MedGen C0027672, MeSH D009386, MONDO:0015356.
Parathyroid carcinoma (PRTC). Also called: CDC73-Related Parathyroid Carcinoma; Parathyroid gland carcinoma. Identifiers: Orphanet 143, MedGen C0687150, MONDO:0012004, OMIM 608266, HP:0006780.

Submissions (2):

Ambry Genetics
Classification: Uncertain significance for Hereditary cancer-predisposing syndrome. Last evaluated: 2025-03-02. Review status: criteria provided, single submitter. Criteria: Ambry Variant Classification Scheme 2023. Collection method: clinical testing. Allele origin: germline.
Comment: The p.L460F variant (also known as c.1378C>T), located in coding exon 15 of the CDC73 gene, results from a C to T substitution at nucleotide position 1378. The leucine at codon 460 is replaced by phenylalanine, an amino acid with highly similar properties. This amino acid position is conserved. In addition, the in silico prediction for this alteration is inconclusive. Based on the available evidence, the clinical significance of this variant remains unclear.

Labcorp Genetics (formerly Invitae), Labcorp
Classification: Uncertain significance for Parathyroid carcinoma. Last evaluated: 2023-02-16. Review status: criteria provided, single submitter. Criteria: Invitae Variant Classification Sherloc (09022015). Collection method: clinical testing. Allele origin: germline.
Comment: In summary, the available evidence is currently insufficient to determine the role of this variant in disease. Therefore, it has been classified as a Variant of Uncertain Significance. Advanced modeling of protein sequence and biophysical properties (such as structural, functional, and spatial information, amino acid conservation, physicochemical variation, residue mobility, and thermodynamic stability) performed at Invitae indicates that this missense variant is not expected to disrupt CDC73 protein function. This variant has not been reported in the literature in individuals affected with CDC73-related conditions. This variant is not present in population databases (gnomAD no frequency). This sequence change replaces leucine, which is neutral and non-polar, with phenylalanine, which is neutral and non-polar, at codon 460 of the CDC73 protein (p.Leu460Phe).

NM_024529.5(CDC73):c.1378C>T (p.Leu460Phe)

Gene: CDC73 (cell division cycle 73; plus strand). Cytogenetic location: 1q31.2.
Variant type: single nucleotide variant.
Coding change: c.1378C>T on transcript NM_024529.5 (MANE Select); coding-DNA position 1378, C replaced by T.
Protein change: p.Leu460Phe; replaces leucine 460 with phenylalanine.
Molecular consequence: missense variant.
Genome position (GRCh38, 1-based): chr1:193,236,317, C>T. VCF-style: chr1-193236317-C-T. GRCh37 (hg19) VCF-style: chr1-193205447-C-T.
Other names: short protein forms L460F.
Identifiers: ClinVar variation 3002861 (VCV003002861.4), dbSNP rs2527500807, ClinGen allele CA344078232.
Genomic context (GRCh38, chr1:193,236,317, plus strand): 5'-GACCGCGTTGTAGCCGTTTTTGTGCAGGGTCCTGCATGGCAGTTCAAAGGTTGGCCATGG[C>T]TTTTGCCTGATGGATCACCAGTTGATATATTTGCTAAAAGTAAGATTCTCTTTGTATTTA-3'
Protein context (NP_078805.3, residues 450-470): PAWQFKGWPW[Leu460Phe]LPDGSPVDIF